The following is an entry in ClinVar:

NM_205836.3(FBXO38):c.3383A>G (p.Glu1128Gly)

Gene: FBXO38 (F-box protein 38; plus strand). Cytogenetic location: 5q32.
Variant type: single nucleotide variant.
Coding change: c.3383A>G on transcript NM_205836.3 (MANE Select); coding-DNA position 3383, A replaced by G.
Protein change: p.Glu1128Gly; replaces glutamic acid 1128 with glycine.
Molecular consequence: missense variant.
Genome position (GRCh38, 1-based): chr5:148,441,232, A>G. VCF-style: chr5-148441232-A-G. GRCh37 (hg19) VCF-style: chr5-147820795-A-G.
Other names: c.2648A>G, p.Glu883Gly (NM_001271723.2); c.3158A>G, p.Glu1053Gly (NM_030793.5); short protein forms E883G, E1053G, E1128G.
Identifiers: ClinVar variation 2780719 (VCV002780719.3), dbSNP rs2531865437, ClinGen allele CA361661496.
Genomic context (GRCh38, chr5:148,441,232, plus strand): 5'-TGAGGTCATTACGAGCTGCAGAGCCCAACAGCTTCGCTCGATACGACTTTGAAGACGATG[A>G]AGAAAGTAATTATGACCTGACTTGACATCTATTCTCTAGTTTAAGTATAGCCTACTGTGT-3'
Protein context (NP_995308.1, residues 1118-1138): SFARYDFEDD[Glu1128Gly]ESTIYAPRRK

ClinVar aggregate classification (germline): Uncertain significance (1 of 4 stars; one submission).

Conditions:
Distal hereditary motor neuropathy type 2. Identifiers: Orphanet 139525, MedGen C3711384, MeSH C580044, MONDO:0015352.

Allele frequency attached by ClinVar (database versions not stated): gnomAD exomes below 0.00001.
gnomAD v4.1: 2 of 1,611,390 alleles (0.00012%); highest among the groups gnomAD compares: Non-Finnish European, 0.00017%; no homozygotes.

Submission:

Labcorp Genetics (formerly Invitae), Labcorp
Classification: Uncertain significance for Distal hereditary motor neuropathy type 2. Last evaluated: 2023-11-13. Review status: criteria provided, single submitter. Criteria: Invitae Variant Classification Sherloc (09022015). Collection method: clinical testing. Allele origin: germline.
Comment: This sequence change replaces glutamic acid, which is acidic and polar, with glycine, which is neutral and non-polar, at codon 1053 of the FBXO38 protein (p.Glu1053Gly). This variant is not present in population databases (gnomAD no frequency). This variant has not been reported in the literature in individuals affected with FBXO38-related conditions. An algorithm developed to predict the effect of missense changes on protein structure and function (PolyPhen-2) suggests that this variant is likely to be disruptive. In summary, the available evidence is currently insufficient to determine the role of this variant in disease. Therefore, it has been classified as a Variant of Uncertain Significance.